The following is an entry in ClinVar:

ClinVar aggregate classification (germline): Pathogenic. Review status: criteria provided, multiple submitters, no conflicts (2 of 4 stars). 3 submissions from 3 submitters: Pathogenic (2). 1 of the submissions does not count toward it. Last evaluated 2025-12-05.

Conditions:
LRP2-related disorder. Also called: LRP2-related condition.
Donnai-Barrow syndrome. Also called: DBS/FOAR SYNDROME; FACIOOCULOACOUSTICORENAL SYNDROME. Identifiers: Orphanet 2143, MedGen C1857277, MONDO:0009104, OMIM 222448.

Allele frequency attached by ClinVar (database versions not stated): TOPMed below 0.00001; gnomAD 0.00001.
gnomAD v4.1: 1 of 1,613,842 alleles (0.000062%); highest among the groups gnomAD compares: Non-Finnish European, 0.000085%; no homozygotes.

Submissions (3):

Myriad Genetics, Inc.
Classification: Pathogenic for Donnai-Barrow syndrome. Last evaluated: 2025-12-05. Review status: criteria provided, single submitter. Criteria: Myriad Autosomal Dominant, Autosomal Recessive and X-Linked Classification Criteria (2023). Collection method: clinical testing. Allele origin: unknown.
Comment: NM_004525.2(LRP2):c.9706C>T(R3236*) is expected to be pathogenic in the context of Donnai-Barrow syndrome. This variant is predicted to lead to an abnormal or absent protein product due to the creation of a premature termination codon in LRP2, a gene where loss-of-function variants are known to be pathogenic. Please note: this variant was assessed in the context of healthy population screening.

Labcorp Genetics (formerly Invitae), Labcorp
Classification: Pathogenic. Last evaluated: 2023-02-14. Review status: criteria provided, single submitter. Criteria: Invitae Variant Classification Sherloc (09022015). Collection method: clinical testing. Allele origin: germline.
Comment: For these reasons, this variant has been classified as Pathogenic. This variant has not been reported in the literature in individuals affected with LRP2-related conditions. This variant is not present in population databases (gnomAD no frequency). This sequence change creates a premature translational stop signal (p.Arg3236*) in the LRP2 gene. It is expected to result in an absent or disrupted protein product. Loss-of-function variants in LRP2 are known to be pathogenic (PMID: 17632512, 25682901).

PreventionGenetics, part of Exact Sciences
Classification: Likely pathogenic for LRP2-related condition. Last evaluated: 2024-04-03. Review status: no assertion criteria provided. Collection method: clinical testing. Allele origin: germline. Not counted in ClinVar's aggregate classification.
Comment: The LRP2 c.9706C>T variant is predicted to result in premature protein termination (p.Arg3236*). To our knowledge, this variant has not been reported in the literature or in a large population database, indicating this variant is rare. Nonsense variants in LRP2 are expected to be pathogenic. This variant is interpreted as likely pathogenic.

Literature cited by the submitters: PubMed 17632512 (cited by Labcorp Genetics (formerly Invitae), Labcorp); PubMed 25682901 (cited by Labcorp Genetics (formerly Invitae), Labcorp).

NM_004525.3(LRP2):c.9706C>T (p.Arg3236Ter)

Gene: LRP2 (LDL receptor related protein 2; minus strand). Cytogenetic location: 2q31.1.
Variant type: single nucleotide variant.
Coding change: c.9706C>T on transcript NM_004525.3 (MANE Select); coding-DNA position 9706, C replaced by T.
Protein change: p.Arg3236Ter; replaces arginine 3236 with a stop codon.
Molecular consequence: nonsense.
Genome position (GRCh38, 1-based): chr2:169,185,642, G>A on the plus strand (C>T on the coding strand, the complement: LRP2 is on the minus strand). VCF-style: chr2-169185642-G-A. GRCh37 (hg19) VCF-style: chr2-170042152-G-A.
Other names: c.9706C>T (NM_004525.2); short protein forms R3236*.
Identifiers: ClinVar variation 3012207 (VCV003012207.5), dbSNP rs1310470715, ClinGen allele CA349153504.